The following is an entry in ClinVar:

NM_001130438.3(SPTAN1):c.3425C>T (p.Ala1142Val)

Gene: SPTAN1 (spectrin alpha, non-erythrocytic 1; plus strand). Cytogenetic location: 9q34.11.
Variant type: single nucleotide variant.
Coding change: c.3425C>T on transcript NM_001130438.3 (MANE Select); coding-DNA position 3425, C replaced by T.
Protein change: p.Ala1142Val; replaces alanine 1142 with valine.
Molecular consequence: missense variant.
Genome position (GRCh38, 1-based): chr9:128,598,410, C>T. VCF-style: chr9-128598410-C-T. GRCh37 (hg19) VCF-style: chr9-131360689-C-T.
Other names: c.3365C>T, p.Ala1122Val (NM_001195532.2, NM_001363765.2, NM_001375314.2); c.3425C>T, p.Ala1142Val (NM_001363759.2, NM_001375310.1, NM_001375311.2 and 2 more transcripts); c.3461C>T, p.Ala1154Val (NM_001375312.2, NM_001375318.1); short protein forms A1122V, A1142V, A1154V.
Identifiers: ClinVar variation 1008277 (VCV001008277.9), dbSNP rs1854605015, ClinGen allele CA375062237.
Genomic context (GRCh38, chr9:128,598,410, plus strand): 5'-ACTTTGGCTTGCTATTTTGGGTTTTAGTTATTATGGCTTTTGCTTTAAAGGACCTGAAGG[C>T]CAATGAGTCACGGTTGAAGGACATTAACAAGGTAGCTGAAGACCTGGAGTCTGAAGGTCT-3'
Protein context (NP_001123910.1, residues 1132-1152): KFDDFQKDLK[Ala1142Val]NESRLKDINK

ClinVar aggregate classification (germline): Uncertain significance (1 of 4 stars; one submission).

Conditions:
Early-infantile DEE. Also called: Ohtahara syndrome; Early infantile epileptic encephalopathy with suppression bursts; Early infantile epileptic encephalopathy. Identifiers: Orphanet 1934, MedGen C0393706, MONDO:0800491.

Submission:

Labcorp Genetics (formerly Invitae), Labcorp
Classification: Uncertain significance for Early-infantile DEE. Last evaluated: 2022-07-11. Review status: criteria provided, single submitter. Criteria: Invitae Variant Classification Sherloc (09022015). Collection method: clinical testing. Allele origin: germline.
Comment: This sequence change replaces alanine, which is neutral and non-polar, with valine, which is neutral and non-polar, at codon 1142 of the SPTAN1 protein (p.Ala1142Val). This variant is not present in population databases (gnomAD no frequency). In summary, the available evidence is currently insufficient to determine the role of this variant in disease. Therefore, it has been classified as a Variant of Uncertain Significance. Algorithms developed to predict the effect of sequence changes on RNA splicing suggest that this variant may create or strengthen a splice site. Algorithms developed to predict the effect of missense changes on protein structure and function (SIFT, PolyPhen-2, Align-GVGD) all suggest that this variant is likely to be disruptive. ClinVar contains an entry for this variant (Variation ID: 1008277). This variant has not been reported in the literature in individuals affected with SPTAN1-related conditions.